The following is an entry in ClinVar:

ClinVar aggregate classification (germline): Pathogenic/Likely pathogenic. Review status: criteria provided, multiple submitters, no conflicts (2 of 4 stars). 2 submissions from 2 submitters: Pathogenic (1); Likely pathogenic (1). Last evaluated 2024-10-22.

Conditions:
Bloom syndrome (BLM). Also called: Bloom-Torre-Machacek syndrome. Identifiers: Orphanet 125, MedGen C0005859, MONDO:0008876, OMIM 210900.

Submissions (2):

Natera, Inc.
Classification: Likely pathogenic for Bloom syndrome. Last evaluated: 2024-10-22. Review status: criteria provided, single submitter. Criteria: Natera Variant Classification Schema (03/2026). Collection method: clinical testing. Allele origin: germline.
Comment: The c.2456delA variant in BLM is a frameshift variant predicted to shift the reading frame beginning at codon 819 and leads to a stop codon 8 codons downstream. This variant is expected to result in nonsense mediated decay, truncation, or a dysfunctional protein product. This variant is rare in the general population with a frequency below the threshold expected for the associated phenotype(s). Given the available evidence, this variant is classified as Likely Pathogenic.

Labcorp Genetics (formerly Invitae), Labcorp
Classification: Pathogenic for Bloom syndrome. Last evaluated: 2023-02-23. Review status: criteria provided, single submitter. Criteria: Invitae Variant Classification Sherloc (09022015). Collection method: clinical testing. Allele origin: germline.
Comment: This sequence change creates a premature translational stop signal (p.Gln819Argfs*8) in the BLM gene. It is expected to result in an absent or disrupted protein product. Loss-of-function variants in BLM are known to be pathogenic (PMID: 17407155). For these reasons, this variant has been classified as Pathogenic. This variant has not been reported in the literature in individuals affected with BLM-related conditions. This variant is not present in population databases (gnomAD no frequency).

Literature cited by the submitters: PubMed 17407155 (cited by Labcorp Genetics (formerly Invitae), Labcorp).

NM_000057.4(BLM):c.2456del (p.Gln819fs)

Gene: BLM (BLM RecQ like helicase; plus strand). Cytogenetic location: 15q26.1.
Variant type: Deletion.
Coding change: c.2456del on transcript NM_000057.4 (MANE Select); coding-DNA position 2456, one base deleted (A; older notation c.2456delA).
Protein change: p.Gln819fs; shifts the reading frame from glutamine 819.
Molecular consequence: frameshift variant.
Genome position (GRCh38, 1-based): chr15:90,769,487, A deleted. VCF-style (leftmost placement, unchanged base first): chr15-90769486-CA-C. GRCh37 (hg19) VCF-style: chr15-91312716-CA-C.
Other names: c.2456del, p.Gln819fs (NM_001287246.2, NM_001287247.2); c.1331del, p.Gln444fs (NM_001287248.2); c.2456delA (NM_000057.3); short protein forms Q444fs, Q819fs.
Identifiers: ClinVar variation 2840184 (VCV002840184.4), dbSNP rs2505456660, ClinGen allele CA2739269773.